The following is an entry in ClinVar:

NM_001458.5(FLNC):c.2772T>G (p.His924Gln)

Gene: FLNC (filamin C; plus strand). Cytogenetic location: 7q32.1.
Variant type: single nucleotide variant.
Coding change: c.2772T>G on transcript NM_001458.5 (MANE Select); coding-DNA position 2772, T replaced by G.
Protein change: p.His924Gln; replaces histidine 924 with glutamine.
Molecular consequence: missense variant.
Genome position (GRCh38, 1-based): chr7:128,843,538, T>G. VCF-style: chr7-128843538-T-G. GRCh37 (hg19) VCF-style: chr7-128483592-T-G.
Other names: c.2772T>G, p.His924Gln (NM_001127487.2); short protein forms H924Q.
Identifiers: ClinVar variation 4258292 (VCV004258292.1).

ClinVar aggregate classification (germline): Uncertain significance (1 of 4 stars; one submission).

Conditions:
Cardiovascular phenotype. Identifiers: MedGen CN230736.

gnomAD v4.1: 7 of 1,613,918 alleles (0.00043%); highest among the groups gnomAD compares: South Asian, 0.0011%; no homozygotes.

Submission:

Ambry Genetics
Classification: Uncertain significance for Cardiovascular phenotype. Last evaluated: 2025-08-28. Review status: criteria provided, single submitter. Criteria: Ambry Variant Classification Scheme 2023. Collection method: clinical testing. Allele origin: germline.
Comment: The p.H924Q variant (also known as c.2772T>G), located in coding exon 18 of the FLNC gene, results from a T to G substitution at nucleotide position 2772. The histidine at codon 924 is replaced by glutamine, an amino acid with highly similar properties. This amino acid position is conserved. In addition, this alteration is predicted to be tolerated by in silico analysis. Based on the available evidence, the clinical significance of this variant remains unclear.